The following is an entry in ClinVar:

NM_000274.4(OAT):c.1179G>A (p.Val393=)

Gene: OAT (ornithine aminotransferase; minus strand). Cytogenetic location: 10q26.13.
Variant type: single nucleotide variant.
Coding change: c.1179G>A on transcript NM_000274.4 (MANE Select); coding-DNA position 1179, G replaced by A.
Protein change: p.Val393=; no amino-acid change (valine 393 retained).
Molecular consequence: synonymous variant.
Genome position (GRCh38, 1-based): chr10:124,398,083, C>T on the plus strand (G>A on the coding strand, the complement: OAT is on the minus strand). VCF-style: chr10-124398083-C-T. GRCh37 (hg19) VCF-style: chr10-126086652-C-T.
Other names: c.765G>A, p.Val255= (NM_001171814.2); c.1179G>A, p.Val393= (NM_001322965.2, NM_001322966.2, NM_001322967.2 and 3 more transcripts); c.858G>A, p.Val286= (NM_001322971.2); c.579G>A, p.Val193= (NM_001322974.2).
Identifiers: ClinVar variation 2086826 (VCV002086826.5), dbSNP rs1951287119, ClinGen allele CA471762576.

ClinVar aggregate classification (germline): Likely benign. Review status: criteria provided, multiple submitters, no conflicts (2 of 4 stars). 2 submissions from 2 submitters: Likely benign (2). Last evaluated 2025-02-26.

Conditions:
OAT-related disorder. Also called: OAT-related condition.
Ornithine aminotransferase deficiency (GACR). Also called: HYPERORNITHINEMIA WITH GYRATE ATROPHY OF CHOROID AND RETINA; OAT DEFICIENCY; OKT DEFICIENCY; Ornithine ketoacid aminotransferase deficiency; Gyrate atrophy; Gyrate atrophy of choroid and retina. Identifiers: Orphanet 414, MedGen C0018425, MONDO:0009796, OMIM 258870.

Allele frequency attached by ClinVar (database versions not stated): TOPMed 0.00001.
gnomAD v4.1: 2 of 1,614,080 alleles (0.00012%); highest among the groups gnomAD compares: African/African-American, 0.0013%; no homozygotes.

Submissions (2):

PreventionGenetics, part of Exact Sciences
Classification: Likely benign for OAT-related condition. Last evaluated: 2025-02-26. Review status: criteria provided, single submitter. Criteria: ACMG Guidelines, 2015. Collection method: clinical testing. Allele origin: germline.
Comment: This variant is classified as likely benign based on ACMG/AMP sequence variant interpretation guidelines (Richards et al. 2015 PMID: 25741868, with internal and published modifications).

Labcorp Genetics (formerly Invitae), Labcorp
Classification: Likely benign for Ornithine aminotransferase deficiency. Last evaluated: 2022-03-10. Review status: criteria provided, single submitter. Criteria: Invitae Variant Classification Sherloc (09022015). Collection method: clinical testing. Allele origin: germline.